The following is an entry in ClinVar:

NM_002880.4(RAF1):c.751C>T (p.Leu251Phe)

Gene: RAF1 (Raf-1 proto-oncogene, serine/threonine kinase; minus strand). Cytogenetic location: 3p25.2.
Variant type: single nucleotide variant.
Coding change: c.751C>T on transcript NM_002880.4 (MANE Select); coding-DNA position 751, C replaced by T.
Protein change: p.Leu251Phe; replaces leucine 251 with phenylalanine.
Molecular consequence: missense variant. On other transcripts: non-coding transcript variant (3).
Genome position (GRCh38, 1-based): chr3:12,604,219, G>A on the plus strand (C>T on the coding strand, the complement: RAF1 is on the minus strand). VCF-style: chr3-12604219-G-A. GRCh37 (hg19) VCF-style: chr3-12645718-G-A.
Other names: c.751C>T, p.Leu251Phe (NM_001354689.3, NM_001354690.3); c.508C>T, p.Leu170Phe (NM_001354691.3, NM_001354692.3, NM_001354694.3); c.652C>T, p.Leu218Phe (NM_001354693.3); c.409C>T, p.Leu137Phe (NM_001354695.3); short protein forms L137F, L170F, L218F, L251F.
Identifiers: ClinVar variation 3769929 (VCV003769929.2).

ClinVar aggregate classification (germline): Uncertain significance. Review status: criteria provided, multiple submitters, no conflicts (2 of 4 stars). 2 submissions from 2 submitters: Uncertain significance (2). Last evaluated 2025-09-16.

Conditions:
Noonan syndrome 5 (NS5). Also called: RAF1-Related Noonan Syndrome. Identifiers: Orphanet 648, MedGen C1969057, MONDO:0012690, OMIM 611553. Disease mechanism: gain of function.

Submissions (2):

3billion
Classification: Uncertain significance for Noonan syndrome 5. Last evaluated: 2025-09-16. Review status: criteria provided, single submitter. Criteria: ACMG Guidelines, 2015. Collection method: clinical testing. Allele origin: germline. Affected: yes.
Comment: The variant is not observed in the gnomAD v4.1.0 dataset. Predicted Consequence/Location: The variant is located in a mutational hot spot and/or well-established functional domain in which established pathogenic variants have been reported (PMID: 29493581). Missense variant. Missense changes are a common disease-causing mechanism. In silico tool predictions suggest damaging effect of the variant on gene or gene product [3Cnet: 0.99 (> 0.75, sensitivity 0.96 and precision 0.92)]. The variant has been reported as of uncertain significance (ClinVar ID: VCV003769929). Different missense changes at the same codon have been reported as of uncertain significance (ClinVar ID: VCV002102491, VCV002141627, VCV000520536, VCV003942496). Therefore, this variant is classified as VUS according to the recommendation of ACMG/AMP guideline.

GeneDx
Classification: Uncertain significance. Last evaluated: 2024-09-09. Review status: criteria provided, single submitter. Criteria: GeneDx Variant Classification Process June 2021. Collection method: clinical testing. Allele origin: germline. Affected: yes.
Comment: Not observed at significant frequency in large population cohorts (gnomAD); In silico analysis indicates that this missense variant does not alter protein structure/function; Has not been previously published as pathogenic or benign to our knowledge; This variant is associated with the following publications: (PMID: 24957944, 9689060, 15520807, 17603483, 17603482, 29493581, 19020799)